The following is an entry in ClinVar:

NM_000432.4(MYL2):c.353+51C>A

Gene: MYL2 (myosin light chain 2; minus strand). Cytogenetic location: 12q24.11.
Variant type: single nucleotide variant.
Coding change: c.353+51C>A on transcript NM_000432.4 (MANE Select); 51 bases into the intron after coding-DNA position 353, C replaced by A.
Molecular consequence: intron variant.
Genome position (GRCh38, 1-based): chr12:110,913,195, G>T on the plus strand (C>A on the coding strand, the complement: MYL2 is on the minus strand). VCF-style: chr12-110913195-G-T. GRCh37 (hg19) VCF-style: chr12-111350999-G-T.
Identifiers: ClinVar variation 671321 (VCV000671321.5), dbSNP rs2233260, ClinGen allele CA042029.

ClinVar aggregate classification (germline): Likely benign. Review status: criteria provided, multiple submitters, no conflicts (2 of 4 stars). 4 submissions from 4 submitters: Likely benign (2). 2 of the submissions do not count toward it. Last evaluated 2018-06-19.

Allele frequency attached by ClinVar (database versions not stated): 1000 Genomes Project 0.00439; 1000 Genomes Project 30x 0.00406.
gnomAD v4.1: 22,787 of 1,613,286 alleles (1.4%); highest among the groups gnomAD compares: Non-Finnish European, 1.5%; 231 homozygotes.

Submissions (4):

GeneDx
Classification: Likely benign. Last evaluated: 2018-06-19. Review status: criteria provided, single submitter. Criteria: GeneDx Variant Classification (06012015). Collection method: clinical testing. Allele origin: germline. Affected: yes.
Comment: This variant is considered likely benign or benign based on one or more of the following criteria: it is a conservative change, it occurs at a poorly conserved position in the protein, it is predicted to be benign by multiple in silico algorithms, and/or has population frequency not consistent with disease.

Breakthrough Genomics
Classification: Likely benign. Review status: criteria provided, single submitter. Criteria: ACMG Guidelines, 2015. Collection method: not provided. Allele origin: germline. Inheritance: Autosomal recessive inheritance. Affected: yes.

Clinical Genetics DNA and cytogenetics Diagnostics Lab, Erasmus MC, Erasmus Medical Center
Classification: Benign. Review status: no assertion criteria provided. Collection method: clinical testing. Allele origin: germline. Affected: yes. Study: VKGL Data-share Consensus. Not counted in ClinVar's aggregate classification.

Joint Genome Diagnostic Labs from Nijmegen and Maastricht, Radboudumc and MUMC+
Classification: Benign. Review status: no assertion criteria provided. Collection method: clinical testing. Allele origin: germline. Affected: yes. Study: VKGL Data-share Consensus. Not counted in ClinVar's aggregate classification.